The following is an entry in ClinVar:

ClinVar aggregate classification (germline): Uncertain significance. Review status: criteria provided, multiple submitters, no conflicts (2 of 4 stars). 2 submissions from 2 submitters: Uncertain significance (2). Last evaluated 2026-09-08.

Conditions:
Fabry disease. Also called: ALPHA-GALACTOSIDASE A DEFICIENCY; ANDERSON-FABRY DISEASE; CERAMIDE TRIHEXOSIDASE DEFICIENCY; GLA DEFICIENCY; HEREDITARY DYSTOPIC LIPIDOSIS; Angiokeratoma corporis diffusum. Identifiers: Orphanet 324, MedGen C0002986, MONDO:0010526, OMIM 301500, HP:0001071. Disease mechanism: Fabry disease is due to inactivating mutations in the X-linked GLA gene resulting in deficiency of the enzyme Alpha Galactosidase-A., loss of function.

Submissions (2):

Genomenon, Inc
Classification: Uncertain significance for Fabry disease. Last evaluated: 2026-09-08. Review status: criteria provided, single submitter. Criteria: Genomenon Sequence Variant Interpretation Standards - Updated. Collection method: curation. Allele origin: germline. Affected: no.
Comment: GLA p.Asp313Gly (c.938A>G) is a missense variant that changes the amino acid at codon 313 from Aspartic acid to Glycine. This variant has been reported in the published literature (PMID:23465405;36624527;32995357;31036492;27657681). It is absent or not present at a significant frequency in gnomAD. In silico models predict that this variant is possibly or probably damaging. In conclusion, we classify GLA p.Asp313Gly (c.938A>G) as a variant of uncertain significance.

Labcorp Genetics (formerly Invitae), Labcorp
Classification: Uncertain significance for Fabry disease. Last evaluated: 2026-01-26. Review status: criteria provided, single submitter. Criteria: Invitae Variant Classification Sherloc (09022015). Collection method: clinical testing. Allele origin: germline.
Comment: This sequence change replaces aspartic acid, which is acidic and polar, with glycine, which is neutral and non-polar, at codon 313 of the GLA protein (p.Asp313Gly). This variant is not present in population databases (gnomAD no frequency). This missense change has been observed in individual(s) with Fabry disease (PMID: 23465405, 36624527). ClinVar contains an entry for this variant (Variation ID: 4087592). Invitae Evidence Modeling of protein sequence and biophysical properties (such as structural, functional, and spatial information, amino acid conservation, physicochemical variation, residue mobility, and thermodynamic stability) indicates that this missense variant is not expected to disrupt GLA protein function with a negative predictive value of 80%. Experimental studies have shown that this missense change affects GLA function (PMID: 27657681, 31036492). Algorithms developed to predict the effect of sequence changes on RNA splicing suggest that this variant may disrupt the consensus splice site. In summary, the available evidence is currently insufficient to determine the role of this variant in disease. Therefore, it has been classified as a Variant of Uncertain Significance.

Literature cited by the submitters: PubMed 23465405 (cited by Genomenon, Inc and Labcorp Genetics (formerly Invitae), Labcorp); PubMed 36624527 (cited by Genomenon, Inc and Labcorp Genetics (formerly Invitae), Labcorp); PubMed 32995357 (cited by Genomenon, Inc); PubMed 31036492 (cited by Genomenon, Inc and Labcorp Genetics (formerly Invitae), Labcorp); PubMed 27657681 (cited by Genomenon, Inc and Labcorp Genetics (formerly Invitae), Labcorp).

NM_000169.3(GLA):c.938A>G (p.Asp313Gly)

Genes: GLA (galactosidase alpha; minus strand), RPL36A-HNRNPH2 (RPL36A-HNRNPH2 readthrough; plus strand). Cytogenetic location: Xq22.1.
Variant type: single nucleotide variant.
Coding change: c.938A>G on transcript NM_000169.3 (MANE Select); coding-DNA position 938, A replaced by G.
Protein change: p.Asp313Gly; replaces aspartic acid 313 with glycine.
Molecular consequence: missense variant. On other transcripts: non-coding transcript variant (3), intron variant (2).
Genome position (GRCh38, 1-based): chrX:101,398,431, T>C on the plus strand (A>G on the coding strand, the complement: GLA is on the minus strand). VCF-style: chrX-101398431-T-C. GRCh37 (hg19) VCF-style: chrX-100653419-T-C.
Other names: c.1061A>G, p.Asp354Gly (NM_001406747.1); c.938A>G, p.Asp313Gly (NM_001406748.1); c.300+2974T>C (NM_001199973.2); c.177+6609T>C (NM_001199974.2); short protein forms D313G, D354G.
Identifiers: ClinVar variation 4087592 (VCV004087592.3).